The following is an entry in ClinVar:

NM_001875.5(CPS1):c.2623A>T (p.Lys875Ter)

Gene: CPS1 (carbamoyl-phosphate synthase 1; plus strand). Cytogenetic location: 2q34.
Variant type: single nucleotide variant.
Coding change: c.2623A>T on transcript NM_001875.5 (MANE Select); coding-DNA position 2623, A replaced by T.
Protein change: p.Lys875Ter; replaces lysine 875 with a stop codon.
Molecular consequence: nonsense. On other transcripts: non-coding transcript variant (2).
Genome position (GRCh38, 1-based): chr2:210,616,477, A>T. VCF-style: chr2-210616477-A-T. GRCh37 (hg19) VCF-style: chr2-211481201-A-T.
Other names: c.2623A>T, p.Lys875Ter (NM_001122633.3, NM_001369257.1); c.2656A>T, p.Lys886Ter (NM_001369256.1); short protein forms K875*, K886*.
Identifiers: ClinVar variation 1726390 (VCV001726390.2), dbSNP rs147062907, ClinGen allele CA350441520.
Genomic context (GRCh38, chr2:210,616,477, plus strand): 5'-TGGCAGGCCATTGATGACAACATGTCCCTTGATGAGATTGAGAAGCTCACATACATTGAC[A>T]AGTGGTTTTTGTATAAGATGCGTGATATTTTAAACATGGAAAAGACACTGAAAGGCCTCA-3'

ClinVar aggregate classification (germline): Likely pathogenic (1 of 4 stars; one submission).

Conditions:
Congenital hyperammonemia, type I. Also called: Carbamoyl phosphate synthetase I deficiency disease; CPS I DEFICIENCY; Carbamoyl phosphate synthetase 1 deficiency; Hyperammonemia due to carbamoyl phosphate synthetase 1 deficiency; CPS 1 deficiency; Carbamyl phosphate synthetase (CPS) deficiency. Identifiers: Orphanet 147, MedGen C4082171, MONDO:0009376, OMIM 237300.

Submission:

Myriad Genetics, Inc.
Classification: Likely pathogenic for Congenital hyperammonemia, type I. Last evaluated: 2021-12-17. Review status: criteria provided, single submitter. Criteria: Myriad Women's Health Autosomal Recessive and X-Linked Classification Criteria (2021). Collection method: clinical testing. Allele origin: unknown.
Comment: NM_001875.4(CPS1):c.2623A>T(K875*) is expected to be pathogenic in the context of carbamoylphosphate synthetase I deficiency. This variant is predicted to lead to an abnormal or absent protein product due to the creation of a premature termination codon in CPS1, a gene where loss-of-function variants are known to be pathogenic. Please note: this variant was assessed in the context of healthy population screening.